The following is an entry in ClinVar:

ClinVar aggregate classification (germline): Uncertain significance (1 of 4 stars; one submission).

Conditions:
Hypertrophic cardiomyopathy 26. Also called: Cardiomyopathy, familial hypertrophic, 26. Identifiers: Orphanet 75249, MedGen C4310749, MONDO:0014883, OMIM 617047.
Myofibrillar myopathy 5. Also called: Filaminopathy (type); FILAMINOPATHY, AUTOSOMAL DOMINANT. Identifiers: Orphanet 171445, MedGen C1836050, MONDO:0012289, OMIM 609524.
Distal myopathy with posterior leg and anterior hand involvement. Also called: WILLIAMS DISTAL MYOPATHY. Identifiers: Orphanet 63273, MedGen C3279722, MONDO:0013550, OMIM 614065.

gnomAD v4.1: 2 of 1,613,162 alleles (0.00012%); no homozygotes.

Submission:

Labcorp Genetics (formerly Invitae), Labcorp
Classification: Uncertain significance for Distal myopathy with posterior leg and anterior hand involvement; Myofibrillar myopathy 5; Hypertrophic cardiomyopathy 26. Last evaluated: 2025-12-16. Review status: criteria provided, single submitter. Criteria: Invitae Variant Classification Sherloc (09022015). Collection method: clinical testing. Allele origin: germline.
Comment: This sequence change replaces glutamic acid, which is acidic and polar, with glutamine, which is neutral and polar, at codon 75 of the FLNC protein (p.Glu75Gln). This variant is not present in population databases (gnomAD no frequency). This variant has not been reported in the literature in individuals affected with FLNC-related conditions. ClinVar contains an entry for this variant (Variation ID: 3748817). Invitae Evidence Modeling of protein sequence and biophysical properties (such as structural, functional, and spatial information, amino acid conservation, physicochemical variation, residue mobility, and thermodynamic stability) has been performed for this missense variant. However, the output from this modeling did not meet the statistical confidence thresholds required to predict the impact of this variant on FLNC protein function. In summary, the available evidence is currently insufficient to determine the role of this variant in disease. Therefore, it has been classified as a Variant of Uncertain Significance.

NM_001458.5(FLNC):c.223G>C (p.Glu75Gln)

Gene: FLNC (filamin C; plus strand). Cytogenetic location: 7q32.1.
Variant type: single nucleotide variant.
Coding change: c.223G>C on transcript NM_001458.5 (MANE Select); coding-DNA position 223, G replaced by C.
Protein change: p.Glu75Gln; replaces glutamic acid 75 with glutamine.
Molecular consequence: missense variant.
Genome position (GRCh38, 1-based): chr7:128,830,860, G>C. VCF-style: chr7-128830860-G-C. GRCh37 (hg19) VCF-style: chr7-128470914-G-C.
Other names: c.223G>C, p.Glu75Gln (NM_001127487.2); short protein forms E75Q.
Identifiers: ClinVar variation 3748817 (VCV003748817.2).